The following is an entry in ClinVar:

NM_001105206.3(LAMA4):c.1189+78C>T

Gene: LAMA4 (laminin subunit alpha 4; minus strand). Cytogenetic location: 6q21.
Variant type: single nucleotide variant.
Coding change: c.1189+78C>T on transcript NM_001105206.3 (MANE Select); 78 bases into the intron after coding-DNA position 1189, C replaced by T.
Molecular consequence: intron variant.
Genome position (GRCh38, 1-based): chr6:112,178,043, G>A on the plus strand (C>T on the coding strand, the complement: LAMA4 is on the minus strand). VCF-style: chr6-112178043-G-A. GRCh37 (hg19) VCF-style: chr6-112499245-G-A.
Other names: c.1168+78C>T (NM_002290.5, NM_001105207.3).
Identifiers: ClinVar variation 675364 (VCV000675364.1), dbSNP rs56948541, ClinGen allele CA144878007.

ClinVar aggregate classification (germline): Benign (1 of 4 stars; one submission).

Allele frequency attached by ClinVar (database versions not stated): gnomAD exomes 0.00416; gnomAD 0.03197 and 0.03416; 1000 Genomes Project 0.03295; TOPMed 0.03573; 1000 Genomes Project 30x 0.03810.
gnomAD v4.1: 8,549 of 1,005,416 alleles (0.85%); highest among the groups gnomAD compares: African/African-American, 11%; 374 homozygotes.

Submission:

GeneDx
Classification: Benign. Last evaluated: 2018-06-19. Review status: criteria provided, single submitter. Criteria: GeneDx Variant Classification (06012015). Collection method: clinical testing. Allele origin: germline. Affected: yes.
Comment: This variant is considered likely benign or benign based on one or more of the following criteria: it is a conservative change, it occurs at a poorly conserved position in the protein, it is predicted to be benign by multiple in silico algorithms, and/or has population frequency not consistent with disease.